The following is an entry in ClinVar:

NM_000218.3(KCNQ1):c.519C>T (p.Val173=)

Gene: KCNQ1 (potassium voltage-gated channel subfamily Q member 1; plus strand). Cytogenetic location: 11p15.5.
Variant type: single nucleotide variant.
Coding change: c.519C>T on transcript NM_000218.3 (MANE Select); coding-DNA position 519, C replaced by T.
Protein change: p.Val173=; no amino-acid change (valine 173 retained).
Molecular consequence: synonymous variant. On other transcripts: intron variant (1).
Genome position (GRCh38, 1-based): chr11:2,570,669, C>T. VCF-style: chr11-2570669-C-T. GRCh37 (hg19) VCF-style: chr11-2591899-C-T.
Other names: c.519C>T, p.Val173= (NM_001406836.1); c.249C>T, p.Val83= (NM_001406837.1); c.138C>T, p.Val46= (NM_181798.2); c.478-12766C>T (NM_001406838.1).
Identifiers: ClinVar variation 3069599 (VCV003069599.1), dbSNP rs140857754, ClinGen allele CA216309426.

ClinVar aggregate classification (germline): Likely benign (1 of 4 stars; one submission).

Conditions:
Long QT syndrome (LQTS). Identifiers: MedGen C0023976, MeSH D008133, MONDO:0002442. Disease mechanism: loss of function. Inheritance: Various modes of inheritance.

Allele frequency attached by ClinVar (database versions not stated): gnomAD exomes below 0.00001; ESP Exome Variant Server 0.00008.
gnomAD v4.1: 1 of 1,612,632 alleles (0.000062%); no homozygotes.

Submission:

All of Us Research Program, National Institutes of Health
Classification: Likely benign for Long QT syndrome. Last evaluated: 2023-02-24. Review status: criteria provided, single submitter. Criteria: ACMG Guidelines, 2015. Collection method: clinical testing. Allele origin: germline. Inheritance: Autosomal dominant inheritance. Observed: 1 variant allele, 1 heterozygote.
Comment: This study involves interpretation of variants in research participants for the purpose of population health screening. Participant phenotype was not available at the time of variant classification. Additional details can be found in publication PMID: 35346344, PMCID: PMC8962531